The following is an entry in ClinVar:

NM_002578.5(PAK3):c.1407+3A>T

Gene: PAK3 (p21 (RAC1) activated kinase 3; plus strand). Cytogenetic location: Xq23.
Variant type: single nucleotide variant.
Coding change: c.1407+3A>T on transcript NM_002578.5 (MANE Select); 3 bases into the intron after coding-DNA position 1407, A replaced by T.
Molecular consequence: intron variant.
Genome position (GRCh38, 1-based): chrX:111,196,643, A>T. VCF-style: chrX-111196643-A-T. GRCh37 (hg19) VCF-style: chrX-110439871-A-T.
Other names: c.1452+3A>T (NM_001324333.2, NM_001324328.2, NM_001128173.3 and 2 more transcripts); c.1407+3A>T (NM_001324334.2, NM_001324326.2, NM_001128166.3 and 5 more transcripts); c.1470+3A>T (NM_001128172.2); c.1515+3A>T (NM_001128168.3).
Identifiers: ClinVar variation 2577667 (VCV002577667.1), dbSNP rs1372942782, ClinGen allele CA2580617423.

ClinVar aggregate classification (germline): Uncertain significance (1 of 4 stars; one submission).

Submission:

GeneDx
Classification: Uncertain significance. Last evaluated: 2023-02-27. Review status: criteria provided, single submitter. Criteria: GeneDx Variant Classification Process June 2021. Collection method: clinical testing. Allele origin: germline. Affected: yes.
Comment: Not observed at significant frequency in large population cohorts (gnomAD); In silico analysis supports a deleterious effect on splicing; Has not been previously published as pathogenic or benign to our knowledge